The following is an entry in ClinVar:

ClinVar aggregate classification (germline): Uncertain significance (1 of 4 stars; one submission).

Conditions:
Trichorhinophalangeal syndrome, type III (TRPS3). Also called: SUGIO-KAJII SYNDROME. Identifiers: Orphanet 77258, MedGen C1860823, OMIM 190351, MONDO:0008597.
Trichorhinophalangeal dysplasia type I (TRPS1). Also called: TRICHORHINOPHALANGEAL SYNDROME, TYPE I; TRPS I. Identifiers: Orphanet 77258, MedGen C0432233, MONDO:0008596, OMIM 190350.

Submission:

Labcorp Genetics (formerly Invitae), Labcorp
Classification: Uncertain significance for Trichorhinophalangeal syndrome, type III; Trichorhinophalangeal dysplasia type I. Last evaluated: 2022-05-18. Review status: criteria provided, single submitter. Criteria: Invitae Variant Classification Sherloc (09022015). Collection method: clinical testing. Allele origin: germline.
Comment: In summary, the available evidence is currently insufficient to determine the role of this variant in disease. Therefore, it has been classified as a Variant of Uncertain Significance. Algorithms developed to predict the effect of missense changes on protein structure and function are either unavailable or do not agree on the potential impact of this missense change (SIFT: "Deleterious"; PolyPhen-2: "Probably Damaging"; Align-GVGD: "Class C0"). This variant has not been reported in the literature in individuals affected with TRPS1-related conditions. This variant is not present in population databases (gnomAD no frequency). This sequence change replaces histidine, which is basic and polar, with arginine, which is basic and polar, at codon 1250 of the TRPS1 protein (p.His1250Arg).

NM_014112.5(TRPS1):c.3749A>G (p.His1250Arg)

Gene: TRPS1 (transcriptional repressor GATA binding 1; minus strand). Cytogenetic location: 8q23.3.
Variant type: single nucleotide variant.
Coding change: c.3749A>G on transcript NM_014112.5 (MANE Select); coding-DNA position 3749, A replaced by G.
Protein change: p.His1250Arg; replaces histidine 1250 with arginine.
Molecular consequence: missense variant.
Genome position (GRCh38, 1-based): chr8:115,414,159, T>C on the plus strand (A>G on the coding strand, the complement: TRPS1 is on the minus strand). VCF-style: chr8-115414159-T-C. GRCh37 (hg19) VCF-style: chr8-116426387-T-C.
Other names: c.3722A>G, p.His1241Arg (NM_001282902.3); c.3728A>G, p.His1243Arg (NM_001282903.3); c.3710A>G, p.His1237Arg (NM_001330599.2); short protein forms H1237R, H1243R, H1250R, H1241R.
Identifiers: ClinVar variation 1995927 (VCV001995927.4), dbSNP rs2129745482, ClinGen allele CA372062064.